The following is an entry in ClinVar:

ClinVar aggregate classification (germline): Uncertain significance. Review status: criteria provided, multiple submitters, no conflicts (2 of 4 stars). 2 submissions from 2 submitters: Uncertain significance (2). Last evaluated 2026-07-01.

Conditions:
SCN11A-related disorder. Also called: SCN11A-related condition.
Hereditary sensory and autonomic neuropathy type 7. Also called: HSAN VII; Neuropathy, hereditary sensory and autonomic, type VII. Identifiers: Orphanet 391397, MedGen C3809882, MONDO:0014244, OMIM 615548.
Familial episodic pain syndrome with predominantly lower limb involvement. Also called: Episodic pain syndrome, familial, 3. Identifiers: Orphanet 391384, Orphanet 391392, MedGen C3809899, MONDO:0014247, OMIM 615552.

Allele frequency attached by ClinVar (database versions not stated): ExAC 0.00001; gnomAD exomes 0.00001; gnomAD 0.00003; TOPMed 0.00005; ESP Exome Variant Server 0.00031.
gnomAD v4.1: 8 of 1,610,230 alleles (0.0005%); highest among the groups gnomAD compares: African/African-American, 0.011%; no homozygotes.

Submissions (2):

PreventionGenetics, part of Exact Sciences
Classification: Uncertain significance for SCN11A-related condition. Last evaluated: 2026-07-01. Review status: criteria provided, single submitter. Criteria: ACMG Guidelines, 2015. Collection method: clinical testing. Allele origin: germline.
Comment: The SCN11A c.470A>T variant is predicted to result in the amino acid substitution p.Asn157Ile. To our knowledge, this variant has not been reported in the literature. This variant is reported in 0.016% of alleles in individuals of African descent in gnomAD. At this time, the clinical significance of this variant is uncertain due to the absence of conclusive functional and genetic evidence.

Labcorp Genetics (formerly Invitae), Labcorp
Classification: Uncertain significance for Familial episodic pain syndrome with predominantly lower limb involvement; Hereditary sensory and autonomic neuropathy type 7. Last evaluated: 2024-09-06. Review status: criteria provided, single submitter. Criteria: Invitae Variant Classification Sherloc (09022015). Collection method: clinical testing. Allele origin: germline.
Comment: This sequence change replaces asparagine, which is neutral and polar, with isoleucine, which is neutral and non-polar, at codon 157 of the SCN11A protein (p.Asn157Ile). This variant is present in population databases (rs145680426, gnomAD 0.01%). This variant has not been reported in the literature in individuals affected with SCN11A-related conditions. ClinVar contains an entry for this variant (Variation ID: 474733). Invitae Evidence Modeling of protein sequence and biophysical properties (such as structural, functional, and spatial information, amino acid conservation, physicochemical variation, residue mobility, and thermodynamic stability) indicates that this missense variant is not expected to disrupt SCN11A protein function with a negative predictive value of 80%. In summary, the available evidence is currently insufficient to determine the role of this variant in disease. Therefore, it has been classified as a Variant of Uncertain Significance.

NM_001349253.2(SCN11A):c.470A>T (p.Asn157Ile)

Gene: SCN11A (sodium voltage-gated channel alpha subunit 11; minus strand). Cytogenetic location: 3p22.2.
Variant type: single nucleotide variant.
Coding change: c.470A>T on transcript NM_001349253.2 (MANE Select); coding-DNA position 470, A replaced by T.
Protein change: p.Asn157Ile; replaces asparagine 157 with isoleucine.
Molecular consequence: missense variant.
Genome position (GRCh38, 1-based): chr3:38,945,429, T>A on the plus strand (A>T on the coding strand, the complement: SCN11A is on the minus strand). VCF-style: chr3-38945429-T-A. GRCh37 (hg19) VCF-style: chr3-38986920-T-A.
Other names: c.470A>T, p.Asn157Ile (NM_014139.3); short protein forms N157I.
Identifiers: ClinVar variation 474733 (VCV000474733.6), dbSNP rs145680426, ClinGen allele CA2322613.